The following is an entry in ClinVar:

NC_000010.11:g.(?_51907497)_(51907580_?)del

Gene: PRKG1 (protein kinase cGMP-dependent 1; plus strand). Cytogenetic location: 10q21.1.
Variant type: Deletion.
Identifiers: ClinVar variation 830986 (VCV000830986.1).

ClinVar aggregate classification (germline): Uncertain significance (1 of 4 stars; one submission).

Conditions:
Aortic aneurysm, familial thoracic 8 (AAT8). Identifiers: MedGen C3809513, MONDO:0014187, OMIM 615436.

Submission:

Labcorp Genetics (formerly Invitae), Labcorp
Classification: Uncertain significance for Aortic aneurysm, familial thoracic 8. Last evaluated: 2019-09-27. Review status: criteria provided, single submitter. Criteria: Invitae Variant Classification Sherloc (09022015). Collection method: clinical testing. Allele origin: germline.
Comment: This variant is an out-of-frame deletion of the genomic region encompassing exon 5 of the PRKG1 gene. This is expected to create a premature translational stop signal and result in an absent or disrupted protein product. This variant has not been reported in the literature in individuals with PRKG1-related conditions. The current clinical and genetic evidence is not sufficient to establish whether loss-of-function variants in PRKG1 cause disease. In summary, the available evidence is currently insufficient to determine the role of this variant in disease. Therefore, it has been classified as a Variant of Uncertain Significance.